The following is an entry in ClinVar:

NM_020975.6(RET):c.1170G>C (p.Leu390Phe)

Gene: RET (ret proto-oncogene; plus strand). Cytogenetic location: 10q11.21.
Variant type: single nucleotide variant.
Coding change: c.1170G>C on transcript NM_020975.6 (MANE Select); coding-DNA position 1170, G replaced by C.
Protein change: p.Leu390Phe; replaces leucine 390 with phenylalanine.
Molecular consequence: missense variant. On other transcripts: intron variant (18).
Genome position (GRCh38, 1-based): chr10:43,109,137, G>C. VCF-style: chr10-43109137-G-C. GRCh37 (hg19) VCF-style: chr10-43604585-G-C.
Other names: c.1170G>C, p.Leu390Phe (NM_000323.2, NM_001406743.1, NM_001406744.1 and 6 more transcripts); c.408G>C, p.Leu136Phe (NM_001355216.2); c.1041G>C, p.Leu347Phe (NM_001406761.1, NM_001406762.1, NM_001406764.1 and 1 more transcripts); c.882G>C, p.Leu294Phe (NM_001406766.1, NM_001406767.1, NM_001406770.1); c.732G>C, p.Leu244Phe (NM_001406771.1, NM_001406773.1); c.444G>C, p.Leu148Phe (NM_001406775.1, NM_001406776.1, NM_001406777.1 and 1 more transcripts); c.180G>C, p.Leu60Phe (NM_001406784.1); c.868-2070G>C (NM_001406772.1, NM_001406769.1); and 5 more; short protein forms L347F, L60F, L136F, L244F, L294F, L148F, L390F.
Identifiers: ClinVar variation 2883571 (VCV002883571.4), dbSNP rs1588869424, ClinGen allele CA376547635.

ClinVar aggregate classification (germline): Uncertain significance. Review status: criteria provided, multiple submitters, no conflicts (2 of 4 stars). 2 submissions from 2 submitters: Uncertain significance (2). Last evaluated 2025-05-04.

Conditions:
Hereditary cancer-predisposing syndrome. Also called: Hereditary Cancer Syndrome; Hereditary neoplastic syndrome; Tumor predisposition; Neoplastic Syndromes, Hereditary. Identifiers: Orphanet 140162, MedGen C0027672, MeSH D009386, MONDO:0015356.
Multiple endocrine neoplasia, type 2 (MEN2). Identifiers: Orphanet 653, MedGen C4048306, MONDO:0019003. Disease mechanism: gain of function.

Allele frequency attached by ClinVar (database versions not stated): gnomAD exomes below 0.00001.
gnomAD v4.1: 2 of 1,613,868 alleles (0.00012%); highest among the groups gnomAD compares: South Asian, 0.0022%; no homozygotes.

Submissions (2):

Ambry Genetics
Classification: Uncertain significance for Hereditary cancer-predisposing syndrome. Last evaluated: 2025-05-04. Review status: criteria provided, single submitter. Criteria: Ambry Variant Classification Scheme 2023. Collection method: clinical testing. Allele origin: germline.
Comment: The p.L390F variant (also known as c.1170G>C), located in coding exon 6 of the RET gene, results from a G to C substitution at nucleotide position 1170. The leucine at codon 390 is replaced by phenylalanine, an amino acid with highly similar properties. This amino acid position is conserved. In addition, this alteration is predicted to be tolerated by in silico analysis. Based on the available evidence, the clinical significance of this variant remains unclear.

Labcorp Genetics (formerly Invitae), Labcorp
Classification: Uncertain significance for Multiple endocrine neoplasia, type 2. Last evaluated: 2023-05-04. Review status: criteria provided, single submitter. Criteria: Invitae Variant Classification Sherloc (09022015). Collection method: clinical testing. Allele origin: germline.
Comment: In summary, the available evidence is currently insufficient to determine the role of this variant in disease. Therefore, it has been classified as a Variant of Uncertain Significance. This sequence change replaces leucine, which is neutral and non-polar, with phenylalanine, which is neutral and non-polar, at codon 390 of the RET protein (p.Leu390Phe). This variant is not present in population databases (gnomAD no frequency). This variant has not been reported in the literature in individuals affected with RET-related conditions. Algorithms developed to predict the effect of missense changes on protein structure and function output the following: SIFT: "Not Available"; PolyPhen-2: "Benign"; Align-GVGD: "Not Available". The phenylalanine amino acid residue is found in multiple mammalian species, which suggests that this missense change does not adversely affect protein function.